The following is an entry in ClinVar:

NM_003136.4(SRP54):c.470_484del (p.Ile157_Gly161del)

Gene: SRP54 (signal recognition particle 54; plus strand). Cytogenetic location: 14q13.2.
Variant type: Deletion.
Coding change: c.470_484del on transcript NM_003136.4 (MANE Select); coding-DNA positions 470 to 484, 15 bases deleted (TTCCATTTTATGGAA).
Protein change: p.Ile157_Gly161del.
Genome position (GRCh38, 1-based): chr14:35,008,816-35,008,830, TTCCATTTTATGGAA deleted; deleting any 15 consecutive bases within chr14:35,008,813-35,008,830 gives the same sequence; the c. name uses the placement nearest the transcript's 3' end. VCF-style (leftmost placement, unchanged base first): chr14-35008812-AGAATTCCATTTTATG-A. GRCh37 (hg19) VCF-style: chr14-35478018-AGAATTCCATTTTATG-A.
Other names: c.323_337del, p.Ile108_Gly112del (NM_001146282.2); c.470_484del, p.Ile157_Gly161del (NM_001411017.1).
Identifiers: ClinVar variation 3729627 (VCV003729627.2).
Genomic context (GRCh38, chr14:35,008,812, plus strand): 5'-TCATGAACTCTTTATCTTCCAGGGGCTTTTGACCAACTAAAACAGAATGCTACCAAAGCA[AGAATTCCATTTTATG>A]GAAGGTAGGTTACTGTTTTTTATTTTAACACTTATATCCCTCTTCTTGTCTGTCAGCTTT-3'

ClinVar aggregate classification (germline): Uncertain significance (1 of 4 stars; one submission).

Submission:

Labcorp Genetics (formerly Invitae), Labcorp
Classification: Uncertain significance. Last evaluated: 2025-01-26. Review status: criteria provided, single submitter. Criteria: Invitae Variant Classification Sherloc (09022015). Collection method: clinical testing. Allele origin: germline.
Comment: This variant, c.470_484del, results in the deletion of 5 amino acid(s) of the SRP54 protein (p.Ile157_Gly161del), but otherwise preserves the integrity of the reading frame. This variant is not present in population databases (gnomAD no frequency). This variant has not been reported in the literature in individuals affected with SRP54-related conditions. Experimental studies and prediction algorithms are not available or were not evaluated, and the functional significance of this variant is currently unknown. In summary, the available evidence is currently insufficient to determine the role of this variant in disease. Therefore, it has been classified as a Variant of Uncertain Significance.